The following is an entry in ClinVar:

ClinVar aggregate classification (germline): Uncertain significance (1 of 4 stars; one submission).

Conditions:
Deficiency of phosphoserine phosphatase (PSPHD). Also called: Phosphoserine phosphatase deficiency; PSPH deficiency. Identifiers: Orphanet 79350, MedGen C1291463, MONDO:0013531, OMIM 614023.

Allele frequency attached by ClinVar (database versions not stated): gnomAD exomes below 0.00001 and 0.00001; gnomAD 0.00001; ExAC 0.00002.
gnomAD v4.1: 5 of 1,478,364 alleles (0.00034%); highest among the groups gnomAD compares: African/African-American, 0.0015%; no homozygotes.

Submission:

Labcorp Genetics (formerly Invitae), Labcorp
Classification: Uncertain significance for Deficiency of phosphoserine phosphatase. Last evaluated: 2021-08-28. Review status: criteria provided, single submitter. Criteria: Invitae Variant Classification Sherloc (09022015). Collection method: clinical testing. Allele origin: germline.
Comment: This sequence change replaces arginine with cysteine at codon 97 of the PSPH protein (p.Arg97Cys). The arginine residue is moderately conserved and there is a large physicochemical difference between arginine and cysteine. The frequency data for this variant in the population databases is considered unreliable, as metrics indicate poor data quality at this position in the ExAC database. This variant has not been reported in the literature in individuals affected with PSPH-related conditions. Algorithms developed to predict the effect of missense changes on protein structure and function output the following: SIFT: "Tolerated"; PolyPhen-2: "Benign"; Align-GVGD: "Class C0". The cysteine amino acid residue is found in multiple mammalian species, which suggests that this missense change does not adversely affect protein function. In summary, the available evidence is currently insufficient to determine the role of this variant in disease. Therefore, it has been classified as a Variant of Uncertain Significance.

NM_004577.4(PSPH):c.289C>T (p.Arg97Cys)

Gene: PSPH (phosphoserine phosphatase; minus strand). Cytogenetic location: 7p11.2.
Variant type: single nucleotide variant.
Coding change: c.289C>T on transcript NM_004577.4 (MANE Select); coding-DNA position 289, C replaced by T.
Protein change: p.Arg97Cys; replaces arginine 97 with cysteine.
Molecular consequence: missense variant.
Genome position (GRCh38, 1-based): chr7:56,017,366, G>A on the plus strand (C>T on the coding strand, the complement: PSPH is on the minus strand). VCF-style: chr7-56017366-G-A. GRCh37 (hg19) VCF-style: chr7-56085059-G-A.
Other names: c.289C>T, p.Arg97Cys (NM_001370503.1, NM_001370504.1, NM_001370505.1 and 17 more transcripts); short protein forms R97C.
Identifiers: ClinVar variation 1409720 (VCV001409720.5), dbSNP rs754344374, ClinGen allele CA4268668.
Genomic context (GRCh38, chr7:56,017,366, plus strand): 5'-CTACAATACTCCTAAAGCCACCAGATATTAGGAAAACCTGAACATTTCGCTCCTGTAGGC[G>A]ACTTACCAGCTCCCTGCAAAATAAAATACAAAATACCCAACACTGAGTAATACAAAAGAA-3'
Protein context (NP_004568.2, residues 87-107): LTPGIRELVS[Arg97Cys]LQERNVQVFL